The following is an entry in ClinVar:

ClinVar aggregate classification (germline): Uncertain significance. Review status: criteria provided, multiple submitters, no conflicts (2 of 4 stars). 3 submissions from 3 submitters: Uncertain significance (3). Last evaluated 2026-08-01.

Conditions:
Hereditary cancer-predisposing syndrome. Also called: Hereditary neoplastic syndrome; Neoplastic Syndromes, Hereditary; Tumor predisposition; Hereditary Cancer Syndrome. Identifiers: Orphanet 140162, MedGen C0027672, MeSH D009386, MONDO:0015356.
Cardiovascular phenotype. Identifiers: MedGen CN230736.

Allele frequency attached by ClinVar (database versions not stated): gnomAD 0.00001; ESP Exome Variant Server 0.00008; ExAC 0.00001.
gnomAD v4.1: 6 of 1,613,640 alleles (0.00037%); highest among the groups gnomAD compares: Non-Finnish European, 0.00051%; no homozygotes.

Submissions (3):

CeGaT Center for Human Genetics Tuebingen
Classification: Uncertain significance. Last evaluated: 2026-08-01. Review status: criteria provided, single submitter. Criteria: CeGaT Center For Human Genetics Tuebingen Variant Classification Criteria Version 2. Collection method: clinical testing. Allele origin: germline. Affected: yes. Observed: 2 variant alleles.
Comment: LZTR1: PM2:Supporting, PP3

Labcorp Genetics (formerly Invitae), Labcorp
Classification: Uncertain significance. Last evaluated: 2025-07-30. Review status: criteria provided, single submitter. Criteria: Invitae Variant Classification Sherloc (09022015). Collection method: clinical testing. Allele origin: germline.
Comment: This sequence change replaces methionine, which is neutral and non-polar, with isoleucine, which is neutral and non-polar, at codon 700 of the LZTR1 protein (p.Met700Ile). This variant is present in population databases (rs373975296, gnomAD 0.002%). This variant has not been reported in the literature in individuals affected with LZTR1-related conditions. ClinVar contains an entry for this variant (Variation ID: 1785912). Invitae Evidence Modeling of protein sequence and biophysical properties (such as structural, functional, and spatial information, amino acid conservation, physicochemical variation, residue mobility, and thermodynamic stability) indicates that this missense variant is not expected to disrupt LZTR1 protein function with a negative predictive value of 80%. In summary, the available evidence is currently insufficient to determine the role of this variant in disease. Therefore, it has been classified as a Variant of Uncertain Significance.

Ambry Genetics
Classification: Uncertain significance for Cardiovascular phenotype; Hereditary cancer-predisposing syndrome. Last evaluated: 2025-04-02. Review status: criteria provided, single submitter. Criteria: Ambry Variant Classification Scheme 2023. Collection method: clinical testing. Allele origin: germline.
Comment: The p.M700I variant (also known as c.2100G>T), located in coding exon 18 of the LZTR1 gene, results from a G to T substitution at nucleotide position 2100. The methionine at codon 700 is replaced by isoleucine, an amino acid with highly similar properties. This amino acid position is highly conserved in available vertebrate species. In addition, this alteration is predicted to be deleterious by in silico analysis. Based on the available evidence, the clinical significance of this variant remains unclear.

NM_006767.4(LZTR1):c.2100G>T (p.Met700Ile)

Gene: LZTR1 (leucine zipper like post translational regulator 1; plus strand). Cytogenetic location: 22q11.21.
Variant type: single nucleotide variant.
Coding change: c.2100G>T on transcript NM_006767.4 (MANE Select); coding-DNA position 2100, G replaced by T.
Protein change: p.Met700Ile; replaces methionine 700 with isoleucine.
Molecular consequence: missense variant.
Genome position (GRCh38, 1-based): chr22:20,995,993, G>T. VCF-style: chr22-20995993-G-T. GRCh37 (hg19) VCF-style: chr22-21350282-G-T.
Other names: short protein forms M700I.
Identifiers: ClinVar variation 1785912 (VCV001785912.7), dbSNP rs373975296, ClinGen allele CA10119245.
Genomic context (GRCh38, chr22:20,995,993, plus strand): 5'-GGCCAGGTGCCTACCGCTCGTTGTCTGCAGCTACTTTGAAGCCATGTTCCGGTCCTTCAT[G>T]CCCGAAGATGGGCAGGTGAACATCTCCATCGGGGAGATGGTGCCCAGCAGGCAGGCCTTC-3'
Protein context (NP_006758.2, residues 690-710): SYFEAMFRSF[Met700Ile]PEDGQVNISI